The following is an entry in ClinVar:

ClinVar aggregate classification (germline): Uncertain significance. Review status: criteria provided, single submitter (1 of 4 stars). 2 submissions from 2 submitters: Uncertain significance (1). 1 of the submissions does not count toward it. Last evaluated 2022-10-09.

Conditions:
DCTN1-related disorder. Also called: DCTN1-related condition.
Amyotrophic lateral sclerosis type 1 (ALS1). Also called: AMYOTROPHIC LATERAL SCLEROSIS 1, FAMILIAL. Identifiers: Orphanet 803, MedGen C1862939, MONDO:0007103, OMIM 105400.
Neuronopathy, distal hereditary motor, type 7B. Also called: NEURONOPATHY, DISTAL HEREDITARY MOTOR, AUTOSOMAL DOMINANT 14; NEURONOPATHY, DISTAL HEREDITARY MOTOR, HARDING TYPE VIIB; NEUROPATHY, DISTAL HEREDITARY MOTOR, HARDING TYPE VIIB; NEUROPATHY, DISTAL HEREDITARY MOTOR, WITH VOCAL CORD PARALYSIS, HARDING TYPE VIIB; Distal Hereditary Motor Neuronopathy Type 7B (dHMN7B); HMN VIIB. Identifiers: Orphanet 139589, MedGen C1843315, MONDO:0011879, OMIM 607641.
Perry syndrome. Also called: PARKINSONISM WITH ALVEOLAR HYPOVENTILATION AND MENTAL DEPRESSION. Identifiers: Orphanet 178509, MedGen C1868594, MONDO:0008201, OMIM 168605.

Allele frequency attached by ClinVar (database versions not stated): gnomAD 0.00001; gnomAD exomes 0.00001 and 0.00003; ExAC 0.00002; TOPMed 0.00002; ESP Exome Variant Server 0.00008.
gnomAD v4.1: 23 of 1,614,096 alleles (0.0014%); highest among the groups gnomAD compares: Admixed American, 0.005%; no homozygotes.

Submissions (2):

Labcorp Genetics (formerly Invitae), Labcorp
Classification: Uncertain significance for Amyotrophic lateral sclerosis type 1; Neuronopathy, distal hereditary motor, type 7B; Perry syndrome. Last evaluated: 2022-10-09. Review status: criteria provided, single submitter. Criteria: Invitae Variant Classification Sherloc (09022015). Collection method: clinical testing. Allele origin: germline.
Comment: In summary, the available evidence is currently insufficient to determine the role of this variant in disease. Therefore, it has been classified as a Variant of Uncertain Significance. Algorithms developed to predict the effect of missense changes on protein structure and function (SIFT, PolyPhen-2, Align-GVGD) all suggest that this variant is likely to be disruptive. ClinVar contains an entry for this variant (Variation ID: 652631). This missense change has been observed in individual(s) with Charcot-Marie-Tooth disease (PMID: 30373780). This variant is present in population databases (rs377530504, gnomAD 0.009%). This sequence change replaces arginine, which is basic and polar, with histidine, which is basic and polar, at codon 795 of the DCTN1 protein (p.Arg795His).

PreventionGenetics, part of Exact Sciences
Classification: Uncertain significance for DCTN1-related condition. Last evaluated: 2024-01-10. Review status: no assertion criteria provided. Collection method: clinical testing. Allele origin: germline. Not counted in ClinVar's aggregate classification.
Comment: The DCTN1 c.2384G>A variant is predicted to result in the amino acid substitution p.Arg795His. This variant was reported in an individual with Charcot-Marie-Tooth disease, type 2 (Bacquet et al. 2018. PubMed ID: 30373780) and in an individual with semantic variant of frontotemporal dementia (svFTD, Table 2, Rossi et al. PubMed ID: 36570531). This variant is reported in 0.0085% of alleles in individuals of Latino descent in gnomAD. At this time, the clinical significance of this variant is uncertain due to the absence of conclusive functional and genetic evidence.

Literature cited by the submitters: PubMed 30373780 (cited by Labcorp Genetics (formerly Invitae), Labcorp).

NM_004082.5(DCTN1):c.2384G>A (p.Arg795His)

Gene: DCTN1 (dynactin subunit 1; minus strand). Cytogenetic location: 2p13.1.
Variant type: single nucleotide variant.
Coding change: c.2384G>A on transcript NM_004082.5 (MANE Select); coding-DNA position 2384, G replaced by A.
Protein change: p.Arg795His; replaces arginine 795 with histidine.
Molecular consequence: missense variant. On other transcripts: non-coding transcript variant (1).
Genome position (GRCh38, 1-based): chr2:74,366,865, C>T on the plus strand (G>A on the coding strand, the complement: DCTN1 is on the minus strand). VCF-style: chr2-74366865-C-T. GRCh37 (hg19) VCF-style: chr2-74593992-C-T.
Other names: c.2324G>A, p.Arg775His (NM_001135040.3); c.1982G>A, p.Arg661His (NM_001135041.3, NM_023019.4); c.2273G>A, p.Arg758His (NM_001190836.2); c.2363G>A, p.Arg788His (NM_001190837.2); c.2333G>A, p.Arg778His (NM_001378991.1); c.2315G>A, p.Arg772His (NM_001378992.1); short protein forms R758H, R775H, R795H, R661H, R788H, R772H, R778H.
Identifiers: ClinVar variation 652631 (VCV000652631.8), dbSNP rs377530504, ClinGen allele CA1721859.
Genomic context (GRCh38, chr2:74,366,865, plus strand): 5'-GCTGGGATCCCAGGAGCATCTGTCCCTGGCATTCGCCTTCGGATCTTCTTGCAGAACTGG[C>T]GGATGTCACTGCATGAAGTTTCCAGATCCCGGAGCAGGAGGGCAATATCTGTAGCCTCCT-3'
Protein context (NP_004073.2, residues 785-805): RDLETSCSDI[Arg795His]QFCKKIRRRM